The following is an entry in ClinVar:

NM_000368.5(TSC1):c.1006del (p.Arg336fs)

Gene: TSC1 (TSC complex subunit 1; minus strand). Cytogenetic location: 9q34.13.
Variant type: Deletion.
Coding change: c.1006del on transcript NM_000368.5 (MANE Select); coding-DNA position 1006, one base deleted (C; older notation c.1006delC).
Protein change: p.Arg336fs; shifts the reading frame from arginine 336.
Molecular consequence: frameshift variant. On other transcripts: non-coding transcript variant (5), 5 prime UTR variant (2).
Genome position (GRCh38, 1-based): chr9:132,911,476, G deleted on the plus strand (C on the coding strand, the reverse complement: TSC1 is on the minus strand). VCF-style (leftmost placement, unchanged base first): chr9-132911475-CG-C. GRCh37 (hg19) VCF-style: chr9-135786862-CG-C.
Other names: c.1006del, p.Arg336fs (NM_001162426.2, NM_001406592.1, NM_001406593.1 and 16 more transcripts); c.853del, p.Arg285fs (NM_001162427.2, NM_001406610.1, NM_001406611.1 and 2 more transcripts); c.643del, p.Arg215fs (NM_001362177.2, NM_001406614.1, NM_001406615.1 and 10 more transcripts); c.55del, p.Arg19fs (NM_001406626.1, NM_001406627.1, NM_001406628.1); c.-88del (NM_001406629.1, NM_001406630.1); short protein forms R215fs, R285fs, R336fs, R19fs.
Identifiers: ClinVar variation 2823059 (VCV002823059.3), dbSNP rs2538865859, ClinGen allele CA2739264820.

ClinVar aggregate classification (germline): Pathogenic (1 of 4 stars; one submission).

Conditions:
Tuberous sclerosis 1 (TSC1). Identifiers: Orphanet 805, MedGen C1854465, MONDO:0008612, OMIM 191100.

Submission:

Labcorp Genetics (formerly Invitae), Labcorp
Classification: Pathogenic for Tuberous sclerosis 1. Last evaluated: 2022-12-21. Review status: criteria provided, single submitter. Criteria: Invitae Variant Classification Sherloc (09022015). Collection method: clinical testing. Allele origin: germline.
Comment: For these reasons, this variant has been classified as Pathogenic. This variant has not been reported in the literature in individuals affected with TSC1-related conditions. This variant is not present in population databases (gnomAD no frequency). This sequence change creates a premature translational stop signal (p.Arg336Glyfs*2) in the TSC1 gene. It is expected to result in an absent or disrupted protein product. Loss-of-function variants in TSC1 are known to be pathogenic (PMID: 10227394, 17304050).

Literature cited by the submitters: PubMed 10227394; PubMed 17304050.